The following is an entry in ClinVar:

ClinVar aggregate classification (germline): Conflicting classifications of pathogenicity. Review status: criteria provided, conflicting classifications (1 of 4 stars). 3 submissions from 2 submitters: Uncertain significance (1); Benign (1); Likely benign (1). Last evaluated 2018-01-12.

Conditions:
Atrial fibrillation, familial, 4 (ATFB4). Identifiers: MedGen C1862394, MONDO:0012677, OMIM 611493.
Long QT syndrome 6 (LQT6). Identifiers: Orphanet 101016, Orphanet 768, MedGen C3150953, MONDO:0013370, OMIM 613693.

Allele frequency attached by ClinVar (database versions not stated): gnomAD 0.00004 and 0.00009; TOPMed 0.00008; 1000 Genomes Project 0.00060; 1000 Genomes Project 30x 0.00094; gnomAD exomes 0.02000.

Submissions (3):

Illumina Laboratory Services, Illumina
Classification: Uncertain significance for Atrial fibrillation, familial, 4. Last evaluated: 2018-01-12. Review status: criteria provided, single submitter. Criteria: ICSL Variant Classification Criteria 13 December 2019. Collection method: clinical testing. Allele origin: germline.

Illumina Laboratory Services, Illumina
Classification: Likely benign for Long QT syndrome 6. Last evaluated: 2018-01-12. Review status: criteria provided, single submitter. Criteria: ICSL Variant Classification Criteria 13 December 2019. Collection method: clinical testing. Allele origin: germline.
Comment: This variant was observed in the ICSL laboratory as part of a predisposition screen in an ostensibly healthy population. It had not been previously curated by ICSL or reported in the Human Gene Mutation Database (HGMD: prior to June 1st, 2018), and was therefore a candidate for classification through an automated scoring system. Utilizing variant allele frequency, disease prevalence and penetrance estimates, and inheritance mode, an automated score was calculated to assess if this variant is too frequent to cause the disease. Based on the score and internal cut-off values, a variant classified as likely benign is not then subjected to further curation. The score for this variant resulted in a classification of likely benign for this disease.

GeneDx
Classification: Benign. Last evaluated: 2015-03-03. Review status: criteria provided, single submitter. Criteria: GeneDx Variant Classification Process June 2021. Collection method: clinical testing. Allele origin: germline. Affected: yes.

NM_172201.2(KCNE2):c.-85G>A

Genes: KCNE2 (potassium voltage-gated channel subfamily E regulatory subunit 2; plus strand), LOC105372791 (uncharacterized LOC105372791; minus strand). Cytogenetic location: 21q22.11.
Variant type: single nucleotide variant.
Coding change: c.-85G>A on transcript NM_172201.2 (MANE Select); 85 bases upstream of the start codon, G replaced by A.
Molecular consequence: 5 prime UTR variant.
Genome position (GRCh38, 1-based): chr21:34,364,079, G>A. VCF-style: chr21-34364079-G-A. GRCh37 (hg19) VCF-style: chr21-35736378-G-A.
Identifiers: ClinVar variation 339714 (VCV000339714.6), dbSNP rs41315511, ClinGen allele CA10644552.
Genomic context (GRCh38, chr21:34,364,079, plus strand): 5'-TGGTTGTAAGGTGAAGGTGCCCAGCAGGCTGAGGCTTGTGTGCAACCCAGAAGAGAGCTC[G>A]CTAACGCCAGCAAGAAGGTTCAGAACAGCCTGGCTTTGGAAAGGAATTTCATCCTGCCCA-3'